The following is an entry in ClinVar:

NM_001375808.2(LPIN2):c.*2103G>A

Gene: LPIN2 (lipin 2; minus strand). Cytogenetic location: 18p11.31.
Variant type: single nucleotide variant.
Coding change: c.*2103G>A on transcript NM_001375808.2 (MANE Select); 2103 bases downstream of the stop codon, G replaced by A.
Molecular consequence: 3 prime UTR variant.
Genome position (GRCh38, 1-based): chr18:2,918,190, C>T on the plus strand (G>A on the coding strand, the complement: LPIN2 is on the minus strand). VCF-style: chr18-2918190-C-T. GRCh37 (hg19) VCF-style: chr18-2918188-C-T.
Other names: c.*2103G>A (NM_001375809.1, NM_014646.2).
Identifiers: ClinVar variation 326574 (VCV000326574.5), dbSNP rs561577089, ClinGen allele CA10650644.

ClinVar aggregate classification (germline): Likely benign (1 of 4 stars; one submission).

Conditions:
Majeed syndrome (MJDS). Also called: CHRONIC RECURRENT MULTIFOCAL OSTEOMYELITIS 1, WITH CONGENITAL DYSERYTHROPOIETIC ANEMIA, WITH OR WITHOUT NEUTROPHILIC DERMATOSIS; LPIN2-Related Majeed Syndrome. Identifiers: Orphanet 77297, MedGen C1864997, MONDO:0012316, OMIM 609628.

Allele frequency attached by ClinVar (database versions not stated): TOPMed 0.00039; gnomAD 0.00056 and 0.00081; 1000 Genomes Project 30x 0.00234; 1000 Genomes Project 0.00260.

Submission:

Illumina Laboratory Services, Illumina
Classification: Likely benign for Majeed syndrome. Last evaluated: 2018-01-12. Review status: criteria provided, single submitter. Criteria: ICSL Variant Classification Criteria 13 December 2019. Collection method: clinical testing. Allele origin: germline.
Comment: This variant was observed in the ICSL laboratory as part of a predisposition screen in an ostensibly healthy population. It had not been previously curated by ICSL or reported in the Human Gene Mutation Database (HGMD: prior to June 1st, 2018), and was therefore a candidate for classification through an automated scoring system. Utilizing variant allele frequency, disease prevalence and penetrance estimates, and inheritance mode, an automated score was calculated to assess if this variant is too frequent to cause the disease. Based on the score and internal cut-off values, a variant classified as likely benign is not then subjected to further curation. The score for this variant resulted in a classification of likely benign for this disease.